The following is an entry in ClinVar:

NM_001875.5(CPS1):c.4252C>T (p.Pro1418Ser)

Gene: CPS1 (carbamoyl-phosphate synthase 1; plus strand). Cytogenetic location: 2q34.
Variant type: single nucleotide variant.
Coding change: c.4252C>T on transcript NM_001875.5 (MANE Select); coding-DNA position 4252, C replaced by T.
Protein change: p.Pro1418Ser; replaces proline 1418 with serine.
Molecular consequence: missense variant. On other transcripts: non-coding transcript variant (2).
Genome position (GRCh38, 1-based): chr2:210,675,818, C>T. VCF-style: chr2-210675818-C-T. GRCh37 (hg19) VCF-style: chr2-211540542-C-T.
Other names: p.Pro1418Ser; c.4252C>T (LRG_336t1); c.4252C>T, p.Pro1418Ser (NM_001122633.3, NM_001369257.1); c.4285C>T, p.Pro1429Ser (NM_001369256.1); short protein forms P1418S, P1429S.
Identifiers: ClinVar variation 196974 (VCV000196974.24), dbSNP rs150966847, ClinGen allele CA244824.
Genomic context (GRCh38, chr2:210,675,818, plus strand): 5'-CTCAACGCCAACAATGTCCCTGCCACCCCAGTGGCATGGCCGTCTCAAGAAGGACAGAAT[C>T]CCAGCCTCTCTTCCATCAGAAAGTAAGAACTAGGCATACTGTTTTCTGAAATAATTTAGA-3'
Protein context (NP_001866.2, residues 1408-1428): VAWPSQEGQN[Pro1418Ser]SLSSIRKLIR

ClinVar aggregate classification (germline): Conflicting classifications of pathogenicity. Review status: criteria provided, conflicting classifications (1 of 4 stars). 8 submissions from 8 submitters: Uncertain significance (5); Likely benign (1). 2 of the submissions do not count toward it. Last evaluated 2026-01-28.

Conditions:
CPS1-related disorder. Also called: CPS1-related condition.
Congenital hyperammonemia, type I. Also called: Carbamoyl phosphate synthetase I deficiency disease; Carbamoyl-phosphate synthase I deficiency; CPS I DEFICIENCY; Carbamoyl phosphate synthetase 1 deficiency; Hyperammonemia due to carbamoyl phosphate synthetase 1 deficiency; CPS 1 deficiency. Identifiers: Orphanet 147, MedGen C4082171, MONDO:0009376, OMIM 237300.
Pulmonary hypertension, neonatal, susceptibility to (PHN). Identifiers: MedGen C3714958, MONDO:0014151, OMIM 615371.

Allele frequency attached by ClinVar (database versions not stated): 1000 Genomes Project 30x 0.00016; 1000 Genomes Project 0.00020; ESP Exome Variant Server 0.00077; TOPMed 0.00104; gnomAD 0.00131.
gnomAD v4.1: 1,982 of 1,558,496 alleles (0.13%); highest among the groups gnomAD compares: Non-Finnish European, 0.16%; no homozygotes.

Submissions (8):

Labcorp Genetics (formerly Invitae), Labcorp
Classification: Likely benign for Congenital hyperammonemia, type I. Last evaluated: 2026-01-28. Review status: criteria provided, single submitter. Criteria: Invitae Variant Classification Sherloc (09022015). Collection method: clinical testing. Allele origin: germline.

Mayo Clinic Laboratories, Mayo Clinic
Classification: Uncertain significance. Last evaluated: 2023-01-27. Review status: criteria provided, single submitter. Criteria: ACMG Guidelines, 2015. Collection method: clinical testing. Allele origin: germline. Observed: 1 variant allele.

Fulgent Genetics
Classification: Uncertain significance for Congenital hyperammonemia, type I; Pulmonary hypertension, neonatal, susceptibility to. Last evaluated: 2018-10-31. Review status: criteria provided, single submitter. Criteria: ACMG Guidelines, 2015. Collection method: clinical testing. Allele origin: unknown.

Illumina Laboratory Services, Illumina
Classification: Uncertain significance for Congenital hyperammonemia, type I. Last evaluated: 2018-01-13. Review status: criteria provided, single submitter. Criteria: ICSL Variant Classification Criteria 13 December 2019. Collection method: clinical testing. Allele origin: germline.

Eurofins Ntd Llc (ga)
Classification: Uncertain significance. Last evaluated: 2015-05-19. Review status: criteria provided, single submitter. Criteria: EGL Classification Definitions 2015. Collection method: clinical testing. Allele origin: germline. Observed: 1 variant allele, 1 heterozygote.

Breakthrough Genomics
Classification: Uncertain significance. Review status: criteria provided, single submitter. Criteria: ACMG Guidelines, 2015. Collection method: not provided. Allele origin: germline. Inheritance: Autosomal recessive inheritance. Affected: yes.

PreventionGenetics, part of Exact Sciences
Classification: Likely benign for CPS1-related condition. Last evaluated: 2022-01-31. Review status: no assertion criteria provided. Collection method: clinical testing. Allele origin: germline. Not counted in ClinVar's aggregate classification.
Comment: This variant is classified as likely benign based on ACMG/AMP sequence variant interpretation guidelines (Richards et al. 2015 PMID: 25741868, with internal and published modifications).

Natera, Inc.
Classification: Uncertain significance for Carbamoyl-phosphate synthase I deficiency. Last evaluated: 2019-12-17. Review status: no assertion criteria provided. Collection method: clinical testing. Allele origin: germline. Not counted in ClinVar's aggregate classification.